The following is an entry in ClinVar:

ClinVar aggregate classification (germline): Uncertain significance (1 of 4 stars; one submission).

gnomAD v4.1: 1 of 1,611,270 alleles (0.000062%); highest among the groups gnomAD compares: South Asian, 0.0011%; no homozygotes.

Submission:

Labcorp Genetics (formerly Invitae), Labcorp
Classification: Uncertain significance. Last evaluated: 2024-12-16. Review status: criteria provided, single submitter. Criteria: Invitae Variant Classification Sherloc (09022015). Collection method: clinical testing. Allele origin: germline.
Comment: This sequence change replaces serine, which is neutral and polar, with isoleucine, which is neutral and non-polar, at codon 506 of the COL11A2 protein (p.Ser506Ile). This variant is not present in population databases (gnomAD no frequency). This variant has not been reported in the literature in individuals affected with COL11A2-related conditions. Invitae Evidence Modeling of protein sequence and biophysical properties (such as structural, functional, and spatial information, amino acid conservation, physicochemical variation, residue mobility, and thermodynamic stability) indicates that this missense variant is not expected to disrupt COL11A2 protein function with a negative predictive value of 95%. In summary, the available evidence is currently insufficient to determine the role of this variant in disease. Therefore, it has been classified as a Variant of Uncertain Significance.

NM_080680.3(COL11A2):c.1517G>T (p.Ser506Ile)

Gene: COL11A2 (collagen type XI alpha 2 chain; minus strand). Cytogenetic location: 6p21.32.
Variant type: single nucleotide variant.
Coding change: c.1517G>T on transcript NM_080680.3 (MANE Select); coding-DNA position 1517, G replaced by T.
Protein change: p.Ser506Ile; replaces serine 506 with isoleucine.
Molecular consequence: missense variant.
Genome position (GRCh38, 1-based): chr6:33,179,271, C>A on the plus strand (G>T on the coding strand, the complement: COL11A2 is on the minus strand). VCF-style: chr6-33179271-C-A. GRCh37 (hg19) VCF-style: chr6-33147048-C-A.
Other names: c.1337G>T, p.Ser446Ile (NM_001424108.1); c.671G>T, p.Ser224Ile (NM_001424109.1); c.491G>T, p.Ser164Ile (NM_001424110.1, NM_001424111.1); c.1196G>T, p.Ser399Ile (NM_080679.3); c.1259G>T, p.Ser420Ile (NM_080681.3); short protein forms S164I, S506I, S420I, S224I, S399I, S446I.
Identifiers: ClinVar variation 3635258 (VCV003635258.2).